The following is an entry in ClinVar:

ClinVar aggregate classification (germline): Uncertain significance (1 of 4 stars; one submission).

Conditions:
Hyperekplexia 3 (HKPX3). Also called: HYPEREKPLEXIA 3, AUTOSOMAL RECESSIVE; HYPEREKPLEXIA 3, AUTOSOMAL DOMINANT. Identifiers: Orphanet 3197, MedGen C3553288, MONDO:0013827, OMIM 614618.

Submission:

MVZ Medizinische Genetik Mainz
Classification: Uncertain significance for Hyperekplexia 3. Last evaluated: 2025-01-02. Review status: criteria provided, single submitter. Criteria: UK Practice Guidelines For Variant Classification V4 01 2020. Collection method: clinical testing. Allele origin: germline. Inheritance: Autosomal dominant inheritance. Affected: yes. Observed: 1 variant allele.
Comment: ACMG Criteria: PP3_STR,PM2_SUP

NM_004211.5(SLC6A5):c.755G>T (p.Gly252Val)

Gene: SLC6A5 (solute carrier family 6 member 5; plus strand). Cytogenetic location: 11p15.1.
Variant type: single nucleotide variant.
Coding change: c.755G>T on transcript NM_004211.5 (MANE Select); coding-DNA position 755, G replaced by T.
Protein change: p.Gly252Val; replaces glycine 252 with valine.
Molecular consequence: missense variant.
Genome position (GRCh38, 1-based): chr11:20,607,082, G>T. VCF-style: chr11-20607082-G-T. GRCh37 (hg19) VCF-style: chr11-20628628-G-T.
Other names: c.53G>T, p.Gly18Val (NM_001318369.2); short protein forms G18V, G252V.
Identifiers: ClinVar variation 4526534 (VCV004526534.1).